The following is an entry in ClinVar:

NC_000018.9:g.(?_55217944)_(58040587_?)dup

Genes: ALPK2 (alpha kinase 2; minus strand), ATP8B1 (ATPase phospholipid transporting 8B1; minus strand), CCBE1 (collagen and calcium binding EGF domains 1; minus strand), CPLX4 (complexin 4; minus strand), FECH (ferrochelatase; minus strand) and 11 more. Cytogenetic location: 18q21.31-21.32.
Variant type: Duplication.
Identifiers: ClinVar variation 1411933 (VCV001411933.1).

ClinVar aggregate classification (germline): Uncertain significance (1 of 4 stars; one submission).

Submission:

Labcorp Genetics (formerly Invitae), Labcorp
Classification: Uncertain significance. Last evaluated: 2021-11-06. Review status: criteria provided, single submitter. Criteria: Invitae Variant Classification Sherloc (09022015). Collection method: clinical testing. Allele origin: germline.
Comment: A copy number gain of the genomic region encompassing the full coding sequence of the NEDD4L gene has been identified. The boundaries of this event are unknown as they extend beyond the assayed region for this gene and therefore may encompass additional genes. As the precise location of this event is unknown, it may be in tandem or it may be located elsewhere in the genome. This variant has not been reported in the literature in individuals affected with NEDD4L-related conditions. In summary, the available evidence is currently insufficient to determine the role of this variant in disease. Therefore, it has been classified as a Variant of Uncertain Significance.